The following is an entry in ClinVar:

ClinVar aggregate classification (germline): Uncertain significance. Review status: criteria provided, multiple submitters, no conflicts (2 of 4 stars). 2 submissions from 2 submitters: Uncertain significance (2). Last evaluated 2024-01-15.

Allele frequency attached by ClinVar (database versions not stated): gnomAD exomes below 0.00001 and 0.00001; TOPMed 0.00001; ExAC 0.00003.
gnomAD v4.1: 5 of 1,612,116 alleles (0.00031%); highest among the groups gnomAD compares: Admixed American, 0.0017%; no homozygotes.

Submissions (2):

Blueprint Genetics
Classification: Uncertain significance. Last evaluated: 2024-01-15. Review status: criteria provided, single submitter. Criteria: ACMG Guidelines, 2015. Collection method: clinical testing. Allele origin: germline.

GeneDx
Classification: Uncertain significance. Last evaluated: 2017-01-20. Review status: criteria provided, single submitter. Criteria: GeneDx Variant Classification (06012015). Collection method: clinical testing. Allele origin: germline. Affected: yes.
Comment: A variant of uncertain significance has been identified in the DNMT1 gene. The G1095S variant has not been published as a pathogenic variant, nor has it been reported as a benign variant to our knowledge. The G1095S variant is not observed at a significant frequency in large population cohorts (Lek et al., 2016; 1000 Genomes Consortium et al., 2015; Exome Variant Server). The G1095S variant is a non-conservative amino acid substitution, which is likely to impact secondary protein structure as these residues differ in polarity, charge, size and/or other properties. This substitution occurs at a position that is conserved in mammals; however, Serine is observed at this position in evolution. In silico analysis predicts this variant is probably damaging to the protein structure/function. Therefore, based on the currently available information, it is unclear whether this variant is a pathogenic variant or a rare benign variant.

NM_001130823.3(DNMT1):c.3283G>A (p.Gly1095Ser)

Gene: DNMT1 (DNA methyltransferase 1; minus strand). Cytogenetic location: 19p13.2.
Variant type: single nucleotide variant.
Coding change: c.3283G>A on transcript NM_001130823.3 (MANE Select); coding-DNA position 3283, G replaced by A.
Protein change: p.Gly1095Ser; replaces glycine 1095 with serine.
Molecular consequence: missense variant.
Genome position (GRCh38, 1-based): chr19:10,142,054, C>T on the plus strand (G>A on the coding strand, the complement: DNMT1 is on the minus strand). VCF-style: chr19-10142054-C-T. GRCh37 (hg19) VCF-style: chr19-10252730-C-T.
Other names: c.3235G>A, p.Gly1079Ser (NM_001318730.2, NM_001379.4); c.2920G>A, p.Gly974Ser (NM_001318731.2); c.3283G>A (LRG_362t1); short protein forms G1095S, G1079S, G974S.
Identifiers: ClinVar variation 393013 (VCV000393013.3), dbSNP rs747265409, ClinGen allele CA9187798.
Genomic context (GRCh38, chr19:10,142,054, plus strand): 5'-CCGAAGCCTTCCCTCTAGCAAGCAGGGGCACCACCTCGAGGAAGTAGAAGCGGTTGGGGC[C>T]GCCCATGGAGTACACCTGGACGCACTCGGGCAGGTCCTCCCCATACTCCACGGTGCAGCG-3'
Protein context (NP_001124295.1, residues 1085-1105): PECVQVYSMG[Gly1095Ser]PNRFYFLEAY